The following is an entry in ClinVar:

ClinVar aggregate classification (germline): Likely pathogenic (1 of 4 stars; one submission).

Conditions:
Hematuria. Identifiers: MedGen C0018965, HP:0000790.

Submission:

Genetics Laboratory, Great Ormond Street Hospital NHS Foundation Trust, North Thames Genomic Laboratory Hub
Classification: Likely pathogenic for Haematuria. Last evaluated: 2026-05-20. Review status: criteria provided, single submitter. Criteria: ACGS Best Practice Guidelines for Variant Classification in Rare Disease 2024 v1.2. Collection method: clinical testing. Allele origin: germline. Affected: yes.
Comment: PM2_moderate, PP3_supporting, PM5_moderate, PM1_strong

NM_000091.5(COL4A3):c.3725G>C (p.Gly1242Ala)

Genes: COL4A3 (collagen type IV alpha 3 chain; plus strand), MFF-DT (MFF divergent transcript; minus strand). Cytogenetic location: 2q36.3.
Variant type: single nucleotide variant.
Coding change: c.3725G>C on transcript NM_000091.5 (MANE Select); coding-DNA position 3725, G replaced by C.
Protein change: p.Gly1242Ala; replaces glycine 1242 with alanine.
Molecular consequence: missense variant.
Genome position (GRCh38, 1-based): chr2:227,297,833, G>C. VCF-style: chr2-227297833-G-C. GRCh37 (hg19) VCF-style: chr2-228162549-G-C.
Other names: short protein forms G1242A.
Identifiers: ClinVar variation 4871724 (VCV004871724.1).